The following is an entry in ClinVar:

ClinVar aggregate classification (germline): Conflicting classifications of pathogenicity. Review status: criteria provided, conflicting classifications (1 of 4 stars). 8 submissions from 8 submitters: Uncertain significance (5); Likely benign (1). 2 of the submissions do not count toward it. Last evaluated 2025-02-10.

Conditions:
Hereditary cancer-predisposing syndrome. Also called: Neoplastic Syndromes, Hereditary; Tumor predisposition; Hereditary neoplastic syndrome; Hereditary Cancer Syndrome. Identifiers: Orphanet 140162, MedGen C0027672, MeSH D009386, MONDO:0015356.
Hereditary breast ovarian cancer syndrome. Also called: Hereditary breast and ovarian cancer syndrome; Hereditary breast and ovarian cancer; Hereditary breast and ovarian cancer syndrome (HBOC); Breast and ovarian cancer; Hereditary breast and/or ovarian cancer syndrome; BRCA1- and BRCA2-Associated Hereditary Breast and Ovarian Cancer. Identifiers: Orphanet 145, MedGen C0677776, MeSH D061325, MONDO:0003582. Disease mechanism: loss of function.
Breast-ovarian cancer, familial, susceptibility to, 2 (BROVCA2). Also called: BRCA2 Hereditary Breast and Ovarian Cancer. Identifiers: Orphanet 145, MedGen C2675520, MONDO:0012933, OMIM 612555. Disease mechanism: loss of function.
Familial cancer of breast. Also called: BREAST CANCER, FAMILIAL; Hereditary breast cancer; hereditary breast carcinoma. Identifiers: Orphanet 227535, MedGen C0346153, MONDO:0016419, OMIM 114480. Disease mechanism: loss of function.

Allele frequency attached by ClinVar (database versions not stated): gnomAD exomes below 0.00001; gnomAD 0.00001.
gnomAD v4.1: 7 of 1,614,032 alleles (0.00043%); highest among the groups gnomAD compares: Non-Finnish European, 0.00025%; no homozygotes.

Submissions (8):

Color Diagnostics, LLC DBA Color Health
Classification: Uncertain significance for Hereditary cancer-predisposing syndrome. Last evaluated: 2025-02-10. Review status: criteria provided, single submitter. Criteria: ACMG Guidelines, 2015. Collection method: clinical testing. Allele origin: germline.
Comment: This missense variant replaces threonine with alanine at codon 3204 of the BRCA2 protein. Computational prediction suggests that this variant may not impact protein structure and function. To our knowledge, functional studies have not been reported for this variant. This variant has been reported in individuals with a personal or family history of breast or ovarian cancer (PMID: 21120943). A multifactorial analysis has reported a likelihood ratio for pathogenicity based on personal and family history of 0.442 from log(LR)=-0.355037004 for two carriers (PMID: 31853058). This variant has been identified in 1/251390 chromosomes in the general population by the Genome Aggregation Database (gnomAD). Although there is a suspicion that this variant may not be associated with disease, additional studies are necessary to determine the role of this variant in disease conclusively. Therefore, this variant is classified as a Variant of Uncertain Significance.

Ambry Genetics
Classification: Likely benign for Hereditary cancer-predisposing syndrome. Last evaluated: 2024-10-30. Review status: criteria provided, single submitter. Criteria: Ambry Variant Classification Scheme 2023. Collection method: clinical testing. Allele origin: germline.

Labcorp Genetics (formerly Invitae), Labcorp
Classification: Uncertain significance for Hereditary breast ovarian cancer syndrome. Last evaluated: 2024-09-02. Review status: criteria provided, single submitter. Criteria: Invitae Variant Classification Sherloc (09022015). Collection method: clinical testing. Allele origin: germline.
Comment: This sequence change replaces threonine, which is neutral and polar, with alanine, which is neutral and non-polar, at codon 3204 of the BRCA2 protein (p.Thr3204Ala). This variant is present in population databases (rs80359231, gnomAD 0.01%). This missense change has been observed in individual(s) with personal and/or family history of BRCA2-related conditions (PMID: 21120943). ClinVar contains an entry for this variant (Variation ID: 52873). Invitae Evidence Modeling of protein sequence and biophysical properties (such as structural, functional, and spatial information, amino acid conservation, physicochemical variation, residue mobility, and thermodynamic stability) indicates that this missense variant is not expected to disrupt BRCA2 protein function with a negative predictive value of 95%. In summary, the available evidence is currently insufficient to determine the role of this variant in disease. Therefore, it has been classified as a Variant of Uncertain Significance.

GeneDx
Classification: Uncertain significance. Last evaluated: 2024-08-28. Review status: criteria provided, single submitter. Criteria: GeneDx Variant Classification Process June 2021. Collection method: clinical testing. Allele origin: germline. Affected: yes.
Comment: Not observed at significant frequency in large population cohorts (gnomAD); In silico analysis indicates that this missense variant does not alter protein structure/function; Also known as 9838A>G; This variant is associated with the following publications: (PMID: 21120943, 25382762, 39062721, 25348012)

All of Us Research Program, National Institutes of Health
Classification: Uncertain significance for Breast-ovarian cancer, familial, susceptibility to, 2. Last evaluated: 2023-09-09. Review status: criteria provided, single submitter. Criteria: ACMG Guidelines, 2015. Collection method: clinical testing. Allele origin: germline. Inheritance: Autosomal dominant inheritance. Observed: 2 variant alleles, 2 heterozygotes.
Comment: This missense variant replaces threonine with alanine at codon 3204 of the BRCA2 protein. Computational prediction suggests that this variant may not impact protein structure and function (internally defined REVEL score threshold <= 0.5, PMID: 27666373). To our knowledge, functional studies have not been reported for this variant. This variant has been reported in individuals affected with breast or ovarian cancer (PMID: 21120943). This variant has been identified in 1/251390 chromosomes in the general population by the Genome Aggregation Database (gnomAD). The available evidence is insufficient to determine the role of this variant in disease conclusively. Therefore, this variant is classified as a Variant of Uncertain Significance.

This study involves interpretation of variants in research participants for the purpose of population health screening. Participant phenotype was not available at the time of variant classification. Additional details can be found in publication PMID: 35346344, PMCID: PMC8962531

Baylor Genetics
Classification: Uncertain significance for Familial cancer of breast. Last evaluated: 2023-08-25. Review status: criteria provided, single submitter. Criteria: ACMG Guidelines, 2015. Collection method: clinical testing. Allele origin: unknown.

Breast Cancer Information Core (BIC) (BRCA2)
Classification: Uncertain significance for Breast-ovarian cancer, familial 2. Last evaluated: 2003-12-23. Review status: no assertion criteria provided. Collection method: clinical testing. Allele origin: germline. Affected: yes. Observed: 1 variant allele. Not counted in ClinVar's aggregate classification.

Department of Pathology and Laboratory Medicine, Sinai Health System
Classification: Uncertain significance. Review status: no assertion criteria provided. Collection method: clinical testing. Allele origin: unknown. Affected: yes. Observed: 1 variant allele. Study: The Canadian Open Genetics Repository (COGR). Not counted in ClinVar's aggregate classification.

Literature cited by the submitters: PubMed 21120943 (cited by 3 submitters); PubMed 31853058 (cited by Color Diagnostics, LLC DBA Color Health); PubMed 25348012 (cited by Ambry Genetics).

NM_000059.4(BRCA2):c.9610A>G (p.Thr3204Ala)

Gene: BRCA2 (BRCA2 DNA repair associated; plus strand). Cytogenetic location: 13q13.1.
Variant type: single nucleotide variant.
Coding change: c.9610A>G on transcript NM_000059.4 (MANE Select); coding-DNA position 9610, A replaced by G.
Protein change: p.Thr3204Ala; replaces threonine 3204 with alanine.
Molecular consequence: missense variant.
Genome position (GRCh38, 1-based): chr13:32,397,006, A>G. VCF-style: chr13-32397006-A-G. GRCh37 (hg19) VCF-style: chr13-32971143-A-G.
Other names: short protein forms T3204A.
Identifiers: ClinVar variation 52873 (VCV000052873.19), dbSNP rs80359231, ClinGen allele CA026232.